The following is an entry in ClinVar:

NM_004304.5(ALK):c.1565G>T (p.Ser522Ile)

Gene: ALK (ALK receptor tyrosine kinase; minus strand). Cytogenetic location: 2p23.2.
Variant type: single nucleotide variant.
Coding change: c.1565G>T on transcript NM_004304.5 (MANE Select); coding-DNA position 1565, G replaced by T.
Protein change: p.Ser522Ile; replaces serine 522 with isoleucine.
Molecular consequence: missense variant.
Genome position (GRCh38, 1-based): chr2:29,318,386, C>A on the plus strand (G>T on the coding strand, the complement: ALK is on the minus strand). VCF-style: chr2-29318386-C-A. GRCh37 (hg19) VCF-style: chr2-29541252-C-A.
Other names: short protein forms S522I.
Identifiers: ClinVar variation 470758 (VCV000470758.12), dbSNP rs1553409333, ClinGen allele CA346471360.

ClinVar aggregate classification (germline): Uncertain significance. Review status: criteria provided, multiple submitters, no conflicts (2 of 4 stars). 2 submissions from 2 submitters: Uncertain significance (2). Last evaluated 2025-11-03.

Conditions:
Hereditary cancer-predisposing syndrome. Also called: Hereditary neoplastic syndrome; Neoplastic Syndromes, Hereditary; Tumor predisposition; Hereditary Cancer Syndrome. Identifiers: Orphanet 140162, MedGen C0027672, MeSH D009386, MONDO:0015356.
Neuroblastoma, susceptibility to, 3. Also called: ALK-Related Neuroblastic Tumor Susceptibility. Identifiers: Orphanet 635, MedGen C2751681, MONDO:0013083, OMIM 613014.

gnomAD v4.1: 1 of 1,613,346 alleles (0.000062%); highest among the groups gnomAD compares: Non-Finnish European, 0.000085%; no homozygotes.

Submissions (2):

Labcorp Genetics (formerly Invitae), Labcorp
Classification: Uncertain significance for Neuroblastoma, susceptibility to, 3. Last evaluated: 2025-11-03. Review status: criteria provided, single submitter. Criteria: Invitae Variant Classification Sherloc (09022015). Collection method: clinical testing. Allele origin: germline.
Comment: This sequence change replaces serine, which is neutral and polar, with isoleucine, which is neutral and non-polar, at codon 522 of the ALK protein (p.Ser522Ile). This variant is not present in population databases (gnomAD no frequency). This variant has not been reported in the literature in individuals affected with ALK-related conditions. ClinVar contains an entry for this variant (Variation ID: 470758). An algorithm developed to predict the effect of missense changes on protein structure and function (PolyPhen-2) suggests that this variant is likely to be disruptive. In summary, the available evidence is currently insufficient to determine the role of this variant in disease. Therefore, it has been classified as a Variant of Uncertain Significance.

Ambry Genetics
Classification: Uncertain significance for Hereditary cancer-predisposing syndrome. Last evaluated: 2024-05-22. Review status: criteria provided, single submitter. Criteria: Ambry Variant Classification Scheme 2023. Collection method: clinical testing. Allele origin: germline.
Comment: The p.S522I variant (also known as c.1565G>T), located in coding exon 8 of the ALK gene, results from a G to T substitution at nucleotide position 1565. The serine at codon 522 is replaced by isoleucine, an amino acid with dissimilar properties. This amino acid position is conserved. In addition, this alteration is predicted to be tolerated by in silico analysis. Since supporting evidence is limited at this time, the clinical significance of this alteration remains unclear.